The following is an entry in ClinVar:

ClinVar aggregate classification (germline): Uncertain significance (1 of 4 stars; one submission).

Conditions:
Meckel-Gruber syndrome. Also called: DYSENCEPHALIA SPLANCHNOCYSTICA; GRUBER SYNDROME; Dysencephalia splachnocystica. Identifiers: Orphanet 564, MedGen C0265215, MONDO:0018921.
Joubert syndrome. Also called: CEREBELLOPARENCHYMAL DISORDER IV; JOUBERT-BOLTSHAUSER SYNDROME; Familial aplasia of the vermis. Identifiers: Orphanet 475, MedGen C5979921, MONDO:0018772.

Allele frequency attached by ClinVar (database versions not stated): gnomAD exomes below 0.00001.

Submission:

Labcorp Genetics (formerly Invitae), Labcorp
Classification: Uncertain significance for Joubert syndrome; Meckel-Gruber syndrome. Last evaluated: 2022-07-12. Review status: criteria provided, single submitter. Criteria: Invitae Variant Classification Sherloc (09022015). Collection method: clinical testing. Allele origin: germline.
Comment: This sequence change replaces lysine, which is basic and polar, with asparagine, which is neutral and polar, at codon 215 of the MKS1 protein (p.Lys215Asn). This variant is not present in population databases (gnomAD no frequency). This variant has not been reported in the literature in individuals affected with MKS1-related conditions. ClinVar contains an entry for this variant (Variation ID: 846447). Algorithms developed to predict the effect of missense changes on protein structure and function (SIFT, PolyPhen-2, Align-GVGD) all suggest that this variant is likely to be tolerated. Algorithms developed to predict the effect of sequence changes on RNA splicing suggest that this variant may create or strengthen a splice site. In summary, the available evidence is currently insufficient to determine the role of this variant in disease. Therefore, it has been classified as a Variant of Uncertain Significance.

NM_017777.4(MKS1):c.645G>C (p.Lys215Asn)

Gene: MKS1 (MKS transition zone complex subunit 1; minus strand). Cytogenetic location: 17q22.
Variant type: single nucleotide variant.
Coding change: c.645G>C on transcript NM_017777.4 (MANE Select); coding-DNA position 645, G replaced by C.
Protein change: p.Lys215Asn; replaces lysine 215 with asparagine.
Molecular consequence: missense variant.
Genome position (GRCh38, 1-based): chr17:58,213,869, C>G on the plus strand (G>C on the coding strand, the complement: MKS1 is on the minus strand). VCF-style: chr17-58213869-C-G. GRCh37 (hg19) VCF-style: chr17-56291230-C-G.
Other names: c.36G>C, p.Lys12Asn (NM_001321268.2); c.645G>C, p.Lys215Asn (NM_001321269.2, NM_001330397.2); short protein forms K12N, K215N.
Identifiers: ClinVar variation 846447 (VCV000846447.10), dbSNP rs1969031350, ClinGen allele CA400326803.